The following is an entry in ClinVar:

ClinVar aggregate classification (germline): Uncertain significance. Review status: criteria provided, multiple submitters, no conflicts (2 of 4 stars). 5 submissions from 5 submitters: Uncertain significance (4). 1 of the submissions does not count toward it. Last evaluated 2026-07-03.

Conditions:
Inborn genetic diseases. Identifiers: MedGen C0950123, MeSH D030342.
Glucose-6-phosphate transport defect (GSD1B). Also called: Glycogen Storage Disease Type Ib; GSD Ib. Identifiers: Orphanet 364, Orphanet 79259, MedGen C0268146, MONDO:0009288, OMIM 232220.
SLC37A4-related disorder. Also called: SLC37A4-related condition.

Allele frequency attached by ClinVar (database versions not stated): gnomAD 0.00001; ExAC 0.00002; TOPMed 0.00001; gnomAD exomes 0.00002.

Submissions (5):

Ambry Genetics
Classification: Uncertain significance for Inborn genetic diseases. Last evaluated: 2026-07-03. Review status: criteria provided, single submitter. Criteria: Ambry Variant Classification Scheme 2023. Collection method: clinical testing. Allele origin: germline.

GeneDx
Classification: Uncertain significance. Last evaluated: 2025-04-30. Review status: criteria provided, single submitter. Criteria: GeneDx Variant Classification Process June 2021. Collection method: clinical testing. Allele origin: germline. Affected: yes.
Comment: Not observed at significant frequency in large population cohorts (gnomAD); In silico analysis supports that this missense variant has a deleterious effect on protein structure/function; Has not been previously published as pathogenic or benign to our knowledge

Labcorp Genetics (formerly Invitae), Labcorp
Classification: Uncertain significance for Glucose-6-phosphate transport defect. Last evaluated: 2024-10-24. Review status: criteria provided, single submitter. Criteria: Invitae Variant Classification Sherloc (09022015). Collection method: clinical testing. Allele origin: germline.
Comment: This sequence change replaces tyrosine, which is neutral and polar, with cysteine, which is neutral and slightly polar, at codon 8 of the SLC37A4 protein (p.Tyr8Cys). This variant is present in population databases (rs782446107, gnomAD 0.007%). This variant has not been reported in the literature in individuals affected with SLC37A4-related conditions. ClinVar contains an entry for this variant (Variation ID: 968959). Invitae Evidence Modeling of protein sequence and biophysical properties (such as structural, functional, and spatial information, amino acid conservation, physicochemical variation, residue mobility, and thermodynamic stability) indicates that this missense variant is expected to disrupt SLC37A4 protein function with a positive predictive value of 80%. In summary, the available evidence is currently insufficient to determine the role of this variant in disease. Therefore, it has been classified as a Variant of Uncertain Significance.

PreventionGenetics, part of Exact Sciences
Classification: Uncertain significance for SLC37A4-related condition. Last evaluated: 2022-09-09. Review status: criteria provided, single submitter. Criteria: ACMG Guidelines, 2015. Collection method: clinical testing. Allele origin: germline.
Comment: The SLC37A4 c.23A>G variant is predicted to result in the amino acid substitution p.Tyr8Cys. To our knowledge, this variant has not been reported in the literature. This variant is reported in 0.0065% of alleles in individuals of South Asian descent in gnomAD. At this time, the clinical significance of this variant is uncertain due to the absence of conclusive functional and genetic evidence.

Natera, Inc.
Classification: Uncertain significance for Glycogen storage disease type Ib. Last evaluated: 2020-02-21. Review status: no assertion criteria provided. Collection method: clinical testing. Allele origin: germline. Not counted in ClinVar's aggregate classification.

NM_001164277.2(SLC37A4):c.23A>G (p.Tyr8Cys)

Gene: SLC37A4 (solute carrier family 37 member 4; minus strand). Cytogenetic location: 11q23.3.
Variant type: single nucleotide variant.
Coding change: c.23A>G on transcript NM_001164277.2 (MANE Select); coding-DNA position 23, A replaced by G.
Protein change: p.Tyr8Cys; replaces tyrosine 8 with cysteine.
Molecular consequence: missense variant. On other transcripts: intron variant (1).
Genome position (GRCh38, 1-based): chr11:119,029,347, T>C on the plus strand (A>G on the coding strand, the complement: SLC37A4 is on the minus strand). VCF-style: chr11-119029347-T-C. GRCh37 (hg19) VCF-style: chr11-118900057-T-C.
Other names: c.23A>G, p.Tyr8Cys (NM_001164278.2, NM_001164280.2, NM_001467.6); c.-172+45A>G (NM_001164279.2); short protein forms Y8C.
Identifiers: ClinVar variation 968959 (VCV000968959.11), dbSNP rs782446107, ClinGen allele CA6311932.
Genomic context (GRCh38, chr11:119,029,347, plus strand): 5'-CGATTGAAGTAATACAGGCTGTAGCCCCCAAACATGGCTGAGAAGATCACAGTGCGATAA[T>C]AGCCATAGCCCTGGGCTGCCATGGTAGAAAAGAGCAGGCCCTACCAGCCAAGACGCACAG-3'
Protein context (NP_001157749.1, residues 1-18): MAAQGYG[Tyr8Cys]YRTVIFSAMF